The following is an entry in ClinVar:

ClinVar aggregate classification (germline): Uncertain significance (1 of 4 stars; one submission).

gnomAD v4.1: 36 of 1,613,858 alleles (0.0022%); highest among the groups gnomAD compares: African/African-American, 0.0053%; no homozygotes.

Submission:

Women's Health and Genetics/Laboratory Corporation of America, LabCorp
Classification: Uncertain significance. Last evaluated: 2024-06-28. Review status: criteria provided, single submitter. Criteria: LabCorp Variant Classification Summary - May 2015. Collection method: clinical testing. Allele origin: germline.
Comment: Variant summary: ACAD9 c.1676G>A (p.Arg559His) results in a non-conservative amino acid change located in the ACAD9/ACADV-like, C-terminal domain (IPR049448) of the encoded protein sequence. Four of five in-silico tools predict a benign effect of the variant on protein function. The variant allele was found at a frequency of 8e-06 in 250496 control chromosomes. The available data on variant occurrences in the general population are insufficient to allow any conclusion about variant significance. To our knowledge, no occurrence of c.1676G>A in individuals affected with Mitochondrial Complex I Deficiency, Nuclear Type 20 and no experimental evidence demonstrating its impact on protein function have been reported. No submitters have cited clinical-significance assessments for this variant to ClinVar. Based on the evidence outlined above, the variant was classified as uncertain significance.

NM_014049.5(ACAD9):c.1676G>A (p.Arg559His)

Genes: ACAD9 (acyl-CoA dehydrogenase family member 9; plus strand), CFAP92 (cilia and flagella associated protein 92 (putative); minus strand). Cytogenetic location: 3q21.3.
Variant type: single nucleotide variant.
Coding change: c.1676G>A on transcript NM_014049.5 (MANE Select); coding-DNA position 1676, G replaced by A.
Protein change: p.Arg559His; replaces arginine 559 with histidine.
Molecular consequence: missense variant. On other transcripts: non-coding transcript variant (1), 3 prime UTR variant (3).
Genome position (GRCh38, 1-based): chr3:128,910,133, G>A. VCF-style: chr3-128910133-G-A. GRCh37 (hg19) VCF-style: chr3-128628976-G-A.
Other names: c.1307G>A, p.Arg436His (NM_001410805.1); c.*166C>T (NM_001348520.2, NM_001348521.2, NM_001394090.1); short protein forms R436H, R559H.
Identifiers: ClinVar variation 3339832 (VCV003339832.1).
Genomic context (GRCh38, chr3:128,910,133, plus strand): 5'-ACCTGTATGGCATGACGGCCGTGCTGTCGCGGGCCAGCCGCTCCATCCGCATTGGGCTCC[G>A]CAACCACGACCACGAGGTGAGCCCAGCCCAGCCTCACACAGGGCCTGGCTGCTGCCATCT-3'
Protein context (NP_054768.2, residues 549-569): RASRSIRIGL[Arg559His]NHDHEVLLAN